The following is an entry in ClinVar:

ClinVar aggregate classification (germline): Uncertain significance (1 of 4 stars; one submission).

Submission:

GeneDx
Classification: Uncertain significance. Last evaluated: 2023-05-26. Review status: criteria provided, single submitter. Criteria: GeneDx Variant Classification Process June 2021. Collection method: clinical testing. Allele origin: germline. Affected: yes.
Comment: Not observed at significant frequency in large population cohorts (gnomAD); In silico analysis supports that this missense variant does not alter protein structure/function; Has not been previously published as pathogenic or benign to our knowledge

NM_152641.4(ARID2):c.4126A>G (p.Ile1376Val)

Gene: ARID2 (AT-rich interaction domain 2; plus strand). Cytogenetic location: 12q12.
Variant type: single nucleotide variant.
Coding change: c.4126A>G on transcript NM_152641.4 (MANE Select); coding-DNA position 4126, A replaced by G.
Protein change: p.Ile1376Val; replaces isoleucine 1376 with valine.
Molecular consequence: missense variant.
Genome position (GRCh38, 1-based): chr12:45,852,249, A>G. VCF-style: chr12-45852249-A-G. GRCh37 (hg19) VCF-style: chr12-46246032-A-G.
Other names: c.4126A>G, p.Ile1376Val (NM_001347839.2); short protein forms I1376V.
Identifiers: ClinVar variation 3362161 (VCV003362161.1).